The following is an entry in ClinVar:

NM_003242.6(TGFBR2):c.1687C>T (p.Leu563=)

Gene: TGFBR2 (transforming growth factor beta receptor 2; plus strand). Cytogenetic location: 3p24.1.
Variant type: single nucleotide variant.
Coding change: c.1687C>T on transcript NM_003242.6 (MANE Select); coding-DNA position 1687, C replaced by T.
Protein change: p.Leu563=; no amino-acid change (leucine 563 retained).
Molecular consequence: synonymous variant.
Genome position (GRCh38, 1-based): chr3:30,691,582, C>T. VCF-style: chr3-30691582-C-T. GRCh37 (hg19) VCF-style: chr3-30733074-C-T.
Other names: c.1762C>T, p.Leu588= (NM_001024847.3); c.1870C>T, p.Leu624= (NM_001407126.1); c.1795C>T, p.Leu599= (NM_001407127.1); c.1714C>T, p.Leu572= (NM_001407128.1); c.1690C>T, p.Leu564= (NM_001407129.1); c.1684C>T, p.Leu562= (NM_001407130.1); c.1582C>T, p.Leu528= (NM_001407132.1, NM_001407133.1, NM_001407134.1 and 2 more transcripts); c.1402C>T, p.Leu468= (NM_001407137.1); and 2 more.
Identifiers: ClinVar variation 1998669 (VCV001998669.5), dbSNP rs2125455808, ClinGen allele CA432918047.

ClinVar aggregate classification (germline): Likely benign. Review status: criteria provided, multiple submitters, no conflicts (2 of 4 stars). 2 submissions from 2 submitters: Likely benign (2). Last evaluated 2023-11-20.

Conditions:
Familial thoracic aortic aneurysm and aortic dissection (TAAD). Also called: Thoracic aortic aneurysms and dissections. Identifiers: Orphanet 91387, MedGen C4707243, MONDO:0019625.
Loeys-Dietz syndrome 2 (LDS2). Also called: TGFBR2-Related Loeys-Dietz Syndrome; Marfan syndrome, type 2 (formerly); AORTIC ANEURYSM, FAMILIAL THORACIC 3; MARFAN SYNDROME, TYPE II; Marfan Syndrome type 2; Marfan like connective tissue disorder. Identifiers: Orphanet 284973, Orphanet 558, MedGen C2674574, MONDO:0012427, OMIM 610168.

Allele frequency attached by ClinVar (database versions not stated): gnomAD exomes below 0.00001.
gnomAD v4.1: 1 of 1,614,060 alleles (0.000062%); highest among the groups gnomAD compares: Non-Finnish European, 0.000085%; no homozygotes.

Submissions (2):

All of Us Research Program, National Institutes of Health
Classification: Likely benign for Loeys-Dietz syndrome 2. Last evaluated: 2023-11-20. Review status: criteria provided, single submitter. Criteria: ACMG Guidelines, 2015. Collection method: clinical testing. Allele origin: germline. Inheritance: Autosomal dominant inheritance. Observed: 1 variant allele, 1 heterozygote.
Comment: This study involves interpretation of variants in research participants for the purpose of population health screening. Participant phenotype was not available at the time of variant classification. Additional details can be found in publication PMID: 35346344, PMCID: PMC8962531

Labcorp Genetics (formerly Invitae), Labcorp
Classification: Likely benign for Familial thoracic aortic aneurysm and aortic dissection. Last evaluated: 2022-05-25. Review status: criteria provided, single submitter. Criteria: Invitae Variant Classification Sherloc (09022015). Collection method: clinical testing. Allele origin: germline.